The following is an entry in ClinVar:

NM_005633.4(SOS1):c.1901T>C (p.Phe634Ser)

Gene: SOS1 (SOS Ras/Rac guanine nucleotide exchange factor 1; minus strand). Cytogenetic location: 2p22.1.
Variant type: single nucleotide variant.
Coding change: c.1901T>C on transcript NM_005633.4 (MANE Select); coding-DNA position 1901, T replaced by C.
Protein change: p.Phe634Ser; replaces phenylalanine 634 with serine.
Molecular consequence: missense variant.
Genome position (GRCh38, 1-based): chr2:39,014,804, A>G on the plus strand (T>C on the coding strand, the complement: SOS1 is on the minus strand). VCF-style: chr2-39014804-A-G. GRCh37 (hg19) VCF-style: chr2-39241945-A-G.
Other names: c.1880T>C, p.Phe627Ser (NM_001382394.1); c.1901T>C, p.Phe634Ser (NM_001382395.1); short protein forms F627S, F634S.
Identifiers: ClinVar variation 4982294 (VCV004982294.1).
Genomic context (GRCh38, chr2:39,014,804, plus strand): 5'-ATATTTTTTAAATGGACAGACCTTTCTATTATAAGACTCAGTAGTTCTTGAGGTTTGCAA[A>G]AGGATCTGTATGTTGTAAGAAATGTCCGAACAAAATTGGGATCTAAGAAGAAAAAGGAAA-3'
Protein context (NP_005624.2, residues 624-644): VRTFLTTYRS[Phe634Ser]CKPQELLSLI

ClinVar aggregate classification (germline): Uncertain significance (1 of 4 stars; one submission).

Conditions:
SOS1-related disorder. Also called: SOS1-related condition.

Submission:

PreventionGenetics, part of Exact Sciences
Classification: Uncertain significance for SOS1-related condition. Last evaluated: 2026-09-11. Review status: criteria provided, single submitter. Criteria: ACMG Guidelines, 2015. Collection method: clinical testing. Allele origin: germline.
Comment: The SOS1 c.1901T>C variant is predicted to result in the amino acid substitution p.Phe634Ser. To our knowledge, this variant has not been reported in the literature or in a large population database (gnomAD), indicating this variant is rare. At this time, the clinical significance of this variant is uncertain due to the absence of conclusive functional and genetic evidence.